The following is an entry in ClinVar:

ClinVar aggregate classification (germline): Conflicting classifications of pathogenicity. Review status: criteria provided, conflicting classifications (1 of 4 stars). 4 submissions from 4 submitters: Uncertain significance (1); Likely benign (2). 1 of the submissions does not count toward it. Last evaluated 2024-03-13.

Conditions:
POLG-related disorder. Also called: POLG-Related Spectrum Disorders; POLG-related condition; POLG-Related Disorders. Identifiers: MedGen C4763519.
Progressive sclerosing poliodystrophy (MTDPS4A). Also called: Mitochondrial DNA Depletion Syndrome 4A; Alpers-Huttenlocher Syndrome (AHS); Alpers Syndrome; ALPERS DIFFUSE DEGENERATION OF CEREBRAL GRAY MATTER WITH HEPATIC CIRRHOSIS; Alpers-Huttenlocher Syndrome; Mitochondrial DNA depletion syndrome 4A (Alpers type). Identifiers: Orphanet 726, MedGen C0205710, MONDO:0008758, OMIM 203700.

Submissions (4):

Labcorp Genetics (formerly Invitae), Labcorp
Classification: Likely benign for Progressive sclerosing poliodystrophy. Last evaluated: 2024-03-13. Review status: criteria provided, single submitter. Criteria: Invitae Variant Classification Sherloc (09022015). Collection method: clinical testing. Allele origin: germline.

GeneDx
Classification: Likely benign. Last evaluated: 2021-06-15. Review status: criteria provided, single submitter. Criteria: GeneDx Variant Classification Process June 2021. Collection method: clinical testing. Allele origin: germline. Affected: yes.

Athena Diagnostics
Classification: Uncertain significance. Last evaluated: 2021-02-16. Review status: criteria provided, single submitter. Criteria: Athena Diagnostics criteria. Collection method: clinical testing. Allele origin: unknown.

PreventionGenetics, part of Exact Sciences
Classification: Likely benign for POLG-related condition. Last evaluated: 2021-08-10. Review status: no assertion criteria provided. Collection method: clinical testing. Allele origin: germline. Not counted in ClinVar's aggregate classification.
Comment: This variant is classified as likely benign based on ACMG/AMP sequence variant interpretation guidelines (Richards et al. 2015 PMID: 25741868, with internal and published modifications).

NM_002693.3(POLG):c.856-17CTC[6]

Gene: POLG (DNA polymerase gamma, catalytic subunit; minus strand). Cytogenetic location: 15q26.1.
Variant type: Microsatellite.
Coding change: c.856-17CTC[6] on transcript NM_002693.3 (MANE Select); six copies in a row of the 3-base unit CTC starting at c.856-17; the reference has five copies in a row; one copy, 3 bases duplicated.
Molecular consequence: intron variant.
Genome position (GRCh38, 1-based): chr15:89,329,113-89,329,115, GAG duplicated on the plus strand (CTC on the coding strand, the reverse complement: POLG is on the minus strand); duplicating any 3 consecutive bases within chr15:89,329,113-89,329,127 gives the same sequence; the position shown is the placement nearest the transcript's 3' end. VCF-style (leftmost placement, unchanged base first): chr15-89329112-T-TGAG. GRCh37 (hg19) VCF-style: chr15-89872343-T-TGAG.
Other names: c.856-17CTC[6] (NM_001126131.2); c.856-5_856-3dupCTC (NM_002693.2).
Identifiers: ClinVar variation 1256102 (VCV001256102.13), dbSNP rs200056162, ClinGen allele CA7725012.